The following is an entry in ClinVar:

ClinVar aggregate classification (germline): Uncertain significance. Review status: criteria provided, multiple submitters, no conflicts (2 of 4 stars). 4 submissions from 4 submitters: Uncertain significance (4). Last evaluated 2025-11-19.

Conditions:
Donnai-Barrow syndrome. Also called: DBS/FOAR SYNDROME; FACIOOCULOACOUSTICORENAL SYNDROME. Identifiers: Orphanet 2143, MedGen C1857277, MONDO:0009104, OMIM 222448.
Inborn genetic diseases. Identifiers: MedGen C0950123, MeSH D030342.

Allele frequency attached by ClinVar (database versions not stated): gnomAD 0.00001; TOPMed 0.00003.
gnomAD v4.1: 2 of 1,613,930 alleles (0.00012%); highest among the groups gnomAD compares: African/African-American, 0.0013%; no homozygotes.

Submissions (4):

Ambry Genetics
Classification: Uncertain significance for Inborn genetic diseases. Last evaluated: 2025-11-19. Review status: criteria provided, single submitter. Criteria: Ambry Variant Classification Scheme 2023. Collection method: clinical testing. Allele origin: germline.

Labcorp Genetics (formerly Invitae), Labcorp
Classification: Uncertain significance. Last evaluated: 2024-02-23. Review status: criteria provided, single submitter. Criteria: Invitae Variant Classification Sherloc (09022015). Collection method: clinical testing. Allele origin: germline.
Comment: This sequence change replaces asparagine, which is neutral and polar, with serine, which is neutral and polar, at codon 1810 of the LRP2 protein (p.Asn1810Ser). This variant is not present in population databases (gnomAD no frequency). This variant has not been reported in the literature in individuals affected with LRP2-related conditions. ClinVar contains an entry for this variant (Variation ID: 1310851). Advanced modeling of protein sequence and biophysical properties (such as structural, functional, and spatial information, amino acid conservation, physicochemical variation, residue mobility, and thermodynamic stability) performed at Invitae indicates that this missense variant is not expected to disrupt LRP2 protein function with a negative predictive value of 95%. In summary, the available evidence is currently insufficient to determine the role of this variant in disease. Therefore, it has been classified as a Variant of Uncertain Significance.

Fulgent Genetics
Classification: Uncertain significance for Donnai-Barrow syndrome. Last evaluated: 2022-04-19. Review status: criteria provided, single submitter. Criteria: ACMG Guidelines, 2015. Collection method: clinical testing. Allele origin: unknown.

GeneDx
Classification: Uncertain significance. Last evaluated: 2019-12-10. Review status: criteria provided, single submitter. Criteria: GeneDx Variant Classification Process June 2021. Collection method: clinical testing. Allele origin: germline. Affected: yes.
Comment: Not observed in large population cohorts (Lek et al., 2016); In silico analysis, which includes protein predictors and evolutionary conservation, supports a deleterious effect; Has not been previously published as pathogenic or benign to our knowledge

NM_004525.3(LRP2):c.5429A>G (p.Asn1810Ser)

Gene: LRP2 (LDL receptor related protein 2; minus strand). Cytogenetic location: 2q31.1.
Variant type: single nucleotide variant.
Coding change: c.5429A>G on transcript NM_004525.3 (MANE Select); coding-DNA position 5429, A replaced by G.
Protein change: p.Asn1810Ser; replaces asparagine 1810 with serine.
Molecular consequence: missense variant.
Genome position (GRCh38, 1-based): chr2:169,225,419, T>C on the plus strand (A>G on the coding strand, the complement: LRP2 is on the minus strand). VCF-style: chr2-169225419-T-C. GRCh37 (hg19) VCF-style: chr2-170081929-T-C.
Other names: short protein forms N1810S.
Identifiers: ClinVar variation 1310851 (VCV001310851.9), dbSNP rs1447688378, ClinGen allele CA349139253.